The following is an entry in ClinVar:

NM_002968.3(SALL1):c.1230A>C (p.Gly410=)

Gene: SALL1 (spalt like transcription factor 1; minus strand). Cytogenetic location: 16q12.1.
Variant type: single nucleotide variant.
Coding change: c.1230A>C on transcript NM_002968.3 (MANE Select); coding-DNA position 1230, A replaced by C.
Protein change: p.Gly410=; no amino-acid change (glycine 410 retained).
Molecular consequence: synonymous variant.
Genome position (GRCh38, 1-based): chr16:51,140,992, T>G on the plus strand (A>C on the coding strand, the complement: SALL1 is on the minus strand). VCF-style: chr16-51140992-T-G. GRCh37 (hg19) VCF-style: chr16-51174903-T-G.
Other names: c.939A>C, p.Gly313= (NM_001127892.2).
Identifiers: ClinVar variation 2430923 (VCV002430923.1), dbSNP rs770394849, ClinGen allele CA8053312.
Genomic context (GRCh38, chr16:51,140,992, plus strand): 5'-TGGCTTGCTTTTTCTTTGCTGGGCCAAGGCAGACAAGGAGTTTAAATCCTCTGCAGTTGT[T>G]CCGATGTTGGGCAAAGGGCTGGGGAAAACCGAGTTAGCGGAGGCTTGCTGAGGTAGAAGT-3'
Protein context (NP_002959.2, residues 400-420): SVFPSPLPNI[Gly410=]TTAEDLNSLS

ClinVar aggregate classification (germline): Likely benign (1 of 4 stars; one submission).

Allele frequency attached by ClinVar (database versions not stated): ExAC 0.00001; gnomAD exomes 0.00002; TOPMed 0.00003; gnomAD 0.00004.

Submission:

GeneDx
Classification: Likely benign. Last evaluated: 2019-06-11. Review status: criteria provided, single submitter. Criteria: GeneDx Variant Classification Process June 2021. Collection method: clinical testing. Allele origin: germline. Affected: yes.
Comment: See Variant Classification Assertion Criteria.